The following is an entry in ClinVar:

ClinVar aggregate classification (germline): Uncertain significance. Review status: criteria provided, multiple submitters, no conflicts (2 of 4 stars). 5 submissions from 5 submitters: Uncertain significance (5). Last evaluated 2025-04-23.

Conditions:
Inborn genetic diseases. Identifiers: MedGen C0950123, MeSH D030342.
Cortical dysplasia-focal epilepsy syndrome (PTHSL1). Also called: Pitt-Hopkins-like syndrome 1. Identifiers: Orphanet 163681, Orphanet 221150, MedGen C2750246, MONDO:0012400, OMIM 610042.

Allele frequency attached by ClinVar (database versions not stated): ExAC 0.00005; gnomAD 0.00001.
gnomAD v4.1: 57 of 1,613,928 alleles (0.0035%); highest among the groups gnomAD compares: South Asian, 0.012%; no homozygotes.

Submissions (5):

Dasa
Classification: Uncertain significance. Last evaluated: 2025-04-23. Review status: criteria provided, single submitter. Criteria: DASA Assertion Criteria. Collection method: clinical testing. Allele origin: germline.
Comment: NM_014141.6(CNTNAP2):c.3361G>A (p.Glu1121Lys) is a missense variant that results in the substitution of glutamic acid with lysine. This variant is rare in population databases. Computational prediction algorithms are consistent with a benign effect. The currently available literature and clinical evidence are not sufficient to establish a definitive association between this variant and the reported condition. Therefore, this variant is classified as a variant of uncertain significance.

Ambry Genetics
Classification: Uncertain significance for Inborn genetic diseases. Last evaluated: 2025-03-01. Review status: criteria provided, single submitter. Criteria: Ambry Variant Classification Scheme 2023. Collection method: clinical testing. Allele origin: germline.

Labcorp Genetics (formerly Invitae), Labcorp
Classification: Uncertain significance for Cortical dysplasia-focal epilepsy syndrome. Last evaluated: 2022-09-27. Review status: criteria provided, single submitter. Criteria: Invitae Variant Classification Sherloc (09022015). Collection method: clinical testing. Allele origin: germline.
Comment: This sequence change replaces glutamic acid, which is acidic and polar, with lysine, which is basic and polar, at codon 1121 of the CNTNAP2 protein (p.Glu1121Lys). This variant is present in population databases (rs572154707, gnomAD 0.01%). This variant has not been reported in the literature in individuals affected with CNTNAP2-related conditions. ClinVar contains an entry for this variant (Variation ID: 451388). Algorithms developed to predict the effect of missense changes on protein structure and function are either unavailable or do not agree on the potential impact of this missense change (SIFT: "Deleterious"; PolyPhen-2: "Benign"; Align-GVGD: "Class C0"). In summary, the available evidence is currently insufficient to determine the role of this variant in disease. Therefore, it has been classified as a Variant of Uncertain Significance.

GeneDx
Classification: Uncertain significance. Last evaluated: 2019-11-11. Review status: criteria provided, single submitter. Criteria: GeneDx Variant Classification Process June 2021. Collection method: clinical testing. Allele origin: germline. Affected: yes.
Comment: In silico analysis, which includes protein predictors and evolutionary conservation, supports that this variant does not alter protein structure/function; Has not been previously published as pathogenic or benign to our knowledge

Illumina Laboratory Services, Illumina
Classification: Uncertain significance for Cortical dysplasia-focal epilepsy syndrome. Last evaluated: 2018-01-13. Review status: criteria provided, single submitter. Criteria: ICSL Variant Classification Criteria 13 December 2019. Collection method: clinical testing. Allele origin: germline.

NM_014141.6(CNTNAP2):c.3361G>A (p.Glu1121Lys)

Gene: CNTNAP2 (contactin associated protein 2; plus strand). Cytogenetic location: 7q36.1.
Variant type: single nucleotide variant.
Coding change: c.3361G>A on transcript NM_014141.6 (MANE Select); coding-DNA position 3361, G replaced by A.
Protein change: p.Glu1121Lys; replaces glutamic acid 1121 with lysine.
Molecular consequence: missense variant.
Genome position (GRCh38, 1-based): chr7:148,229,759, G>A. VCF-style: chr7-148229759-G-A. GRCh37 (hg19) VCF-style: chr7-147926851-G-A.
Other names: short protein forms E1121K.
Identifiers: ClinVar variation 451388 (VCV000451388.15), dbSNP rs572154707, ClinGen allele CA4546624.
Genomic context (GRCh38, chr7:148,229,759, plus strand): 5'-GACGTAGACCACAGGAACATGGCCAATGGACAGCCCCACAGTGTCAACATCACCCGCCAC[G>A]AGAAGACCATCTTTCTCAAGGTATACATACATGTACATATAAATTACATATAATATCGCA-3'
Protein context (NP_054860.1, residues 1111-1131): QPHSVNITRH[Glu1121Lys]KTIFLKLDHY